The following is an entry in ClinVar:

ClinVar aggregate classification (germline): Uncertain significance (1 of 4 stars; one submission).

Submission:

Labcorp Genetics (formerly Invitae), Labcorp
Classification: Uncertain significance. Last evaluated: 2024-09-04. Review status: criteria provided, single submitter. Criteria: Invitae Variant Classification Sherloc (09022015). Collection method: clinical testing. Allele origin: germline.
Comment: This sequence change replaces glycine, which is neutral and non-polar, with arginine, which is basic and polar, at codon 191 of the DLX3 protein (p.Gly191Arg). This variant is present in population databases (rs145991664, gnomAD 0.007%). This variant has not been reported in the literature in individuals affected with DLX3-related conditions. Invitae Evidence Modeling of protein sequence and biophysical properties (such as structural, functional, and spatial information, amino acid conservation, physicochemical variation, residue mobility, and thermodynamic stability) indicates that this missense variant is expected to disrupt DLX3 protein function with a positive predictive value of 80%. In summary, the available evidence is currently insufficient to determine the role of this variant in disease. Therefore, it has been classified as a Variant of Uncertain Significance.

NM_005220.3(DLX3):c.571G>A (p.Gly191Arg)

Gene: DLX3 (distal-less homeobox 3; minus strand). Cytogenetic location: 17q21.33.
Variant type: single nucleotide variant.
Coding change: c.571G>A on transcript NM_005220.3 (MANE Select); coding-DNA position 571, G replaced by A.
Protein change: p.Gly191Arg; replaces glycine 191 with arginine.
Molecular consequence: missense variant.
Genome position (GRCh38, 1-based): chr17:49,991,810, C>T on the plus strand (G>A on the coding strand, the complement: DLX3 is on the minus strand). VCF-style: chr17-49991810-C-T. GRCh37 (hg19) VCF-style: chr17-48069174-C-T.
Other names: short protein forms G191R.
Identifiers: ClinVar variation 3710664 (VCV003710664.2).